The following is an entry in ClinVar:

NM_000179.3(MSH6):c.3952_3968del (p.His1317_Arg1318insTer)

Gene: MSH6 (mutS homolog 6; plus strand). Cytogenetic location: 2p16.3.
Variant type: Deletion.
Coding change: c.3952_3968del on transcript NM_000179.3 (MANE Select); coding-DNA positions 3952 to 3968, 17 bases deleted (AGAAAAGCAAGAGAATT).
Protein change: p.His1317_Arg1318insTer.
Molecular consequence: nonsense. On other transcripts: frameshift variant (1), non-coding transcript variant (5), intron variant (1).
Genome position (GRCh38, 1-based): chr2:47,806,602-47,806,618, AGAAAAGCAAGAGAATT deleted; deleting any 17 consecutive bases within chr2:47,806,601-47,806,618 gives the same sequence; the c. name uses the placement nearest the transcript's 3' end. VCF-style (leftmost placement, unchanged base first): chr2-47806600-ATAGAAAAGCAAGAGAAT-A. GRCh37 (hg19) VCF-style: chr2-48033739-ATAGAAAAGCAAGAGAAT-A.
Other names: c.3562_3578del, p.His1187_Arg1188insTer (NM_001281492.2); c.3046_3062del, p.His1015_Arg1016insTer (NM_001281493.2, NM_001281494.2, NM_001406811.1 and 6 more transcripts); c.4048_4064del, p.His1349_Arg1350insTer (NM_001406795.1); c.3952_3968del, p.His1317_Arg1318insTer (NM_001406796.1, NM_001406808.1, NM_001406809.1); c.3655_3671del, p.His1218_Arg1219insTer (NM_001406797.1, NM_001406801.1, NM_001406805.1 and 10 more transcripts); c.3778_3794del, p.His1259_Arg1260insTer (NM_001406798.1); c.3427_3443del, p.His1142_Arg1143insTer (NM_001406799.1, NM_001406806.1, NM_001406807.1); c.3939_3955del, p.Gln1316fs (NM_001406800.1); and 9 more; short protein forms Q1316fs.
Identifiers: ClinVar variation 4071369 (VCV004071369.1).
Genomic context (GRCh38, chr2:47,806,600, plus strand): 5'-GCTATGGCTTTAATGCAGCAAGGCTTGCTAATCTCCCAGAGGAAGTTATTCAAAAGGGAC[ATAGAAAAGCAAGAGAAT>A]TTGAGAAGATGAATCAGTCACTACGATTATTTCGGTAACTAACTAACTATAATGGAATTA-3'

ClinVar aggregate classification (germline): Pathogenic (1 of 4 stars; one submission).

Conditions:
Lynch syndrome 5 (LYNCH5). Also called: Colorectal cancer, hereditary nonpolyposis, type 5; Hereditary non-polyposis colorectal cancer, type 5. Identifiers: Orphanet 144, MedGen C1833477, MONDO:0013710, OMIM 614350. Disease mechanism: loss of function.

Submission:

Myriad Genetics, Inc.
Classification: Pathogenic for Lynch syndrome 5. Last evaluated: 2025-04-09. Review status: criteria provided, single submitter. Criteria: Myriad Autosomal Dominant, Autosomal Recessive and X-Linked Classification Criteria (2023). Collection method: clinical testing. Allele origin: unknown.
Comment: This variant is considered pathogenic. This variant creates a termination codon and is predicted to result in premature protein truncation.